The following is an entry in ClinVar:

ClinVar aggregate classification (germline): Pathogenic/Likely pathogenic. Review status: criteria provided, multiple submitters, no conflicts (2 of 4 stars). 2 submissions from 2 submitters: Pathogenic (1); Likely pathogenic (1). Last evaluated 2025-01-21.

Conditions:
Inborn genetic diseases. Identifiers: MedGen C0950123, MeSH D030342.

gnomAD v4.1: 2 of 1,613,304 alleles (0.00012%); highest among the groups gnomAD compares: Non-Finnish European, 0.00017%; no homozygotes.

Submissions (2):

Ambry Genetics
Classification: Pathogenic for Inborn genetic diseases. Last evaluated: 2025-01-21. Review status: criteria provided, single submitter. Criteria: Ambry Variant Classification Scheme 2023. Collection method: clinical testing. Allele origin: germline.
Comment: The c.1954C>T (p.R652*) alteration, located in exon 18 (coding exon 17) of the ITSN1 gene, consists of a C to T substitution at nucleotide position 1954. This changes the amino acid from an arginine (R) to a stop codon at amino acid position 652. This alteration is expected to result in loss of function by premature protein truncation or nonsense-mediated mRNA decay. This variant was not reported in population-based cohorts in the Genome Aggregation Database (gnomAD). Based on the available evidence, this alteration is classified as pathogenic.

GeneDx
Classification: Likely pathogenic. Last evaluated: 2023-05-15. Review status: criteria provided, single submitter. Criteria: GeneDx Variant Classification Process June 2021. Collection method: clinical testing. Allele origin: germline. Affected: yes.
Comment: Nonsense variant predicted to result in protein truncation or nonsense mediated decay in a gene for which loss of function is a known mechanism of disease; Not observed at significant frequency in large population cohorts (gnomAD); Has not been previously published as pathogenic or benign to our knowledge

NM_003024.3(ITSN1):c.1954C>T (p.Arg652Ter)

Gene: ITSN1 (intersectin 1; plus strand). Cytogenetic location: 21q22.11.
Variant type: single nucleotide variant.
Coding change: c.1954C>T on transcript NM_003024.3 (MANE Select); coding-DNA position 1954, C replaced by T.
Protein change: p.Arg652Ter; replaces arginine 652 with a stop codon.
Molecular consequence: nonsense.
Genome position (GRCh38, 1-based): chr21:33,797,380, C>T. VCF-style: chr21-33797380-C-T. GRCh37 (hg19) VCF-style: chr21-35169684-C-T.
Other names: c.1954C>T, p.Arg652Ter (NM_001001132.2, NM_001331008.2, NM_001331009.2 and 2 more transcripts); c.1843C>T, p.Arg615Ter (NM_001331012.2); short protein forms R615*, R652*.
Identifiers: ClinVar variation 2662286 (VCV002662286.2), dbSNP rs1400666294, ClinGen allele CA410131981.